The following is an entry in ClinVar:

NM_007294.4(BRCA1):c.3182del (p.Ile1061fs)

Gene: BRCA1 (BRCA1 DNA repair associated; minus strand). Cytogenetic location: 17q21.31.
Variant type: Deletion.
Coding change: c.3182del on transcript NM_007294.4 (MANE Select); coding-DNA position 3182, one base deleted (T; older notation c.3182delT).
Protein change: p.Ile1061fs; shifts the reading frame from isoleucine 1061.
Molecular consequence: frameshift variant. On other transcripts: intron variant (137).
Genome position (GRCh38, 1-based): chr17:43,092,349, A deleted on the plus strand (T on the coding strand, the reverse complement: BRCA1 is on the minus strand). VCF-style (leftmost placement, unchanged base first): chr17-43092348-TA-T. GRCh37 (hg19) VCF-style: chr17-41244365-TA-T.
Other names: 3301delT; c.578-1317del (NM_001408513.1, NM_001408489.1, NM_001408479.1 and 9 more transcripts); c.521-1317del (NM_001408503.1, NM_001408505.1, NM_001408504.1); c.524-1317del (NM_001408500.1, NM_001408497.1, NM_001408496.1 and 3 more transcripts); c.647-1317del (NM_001408466.1, NM_001408452.1, NM_001408457.1 and 11 more transcripts); c.788-1317del (NM_001407973.1, NM_001408403.1, NM_001407983.1 and 17 more transcripts); c.404-1317del (NM_001408511.1); c.461-1317del (NM_001408507.1, NM_001408506.1); and 43 more; short protein forms I1061fs, I1014fs, I1013fs, I1019fs, I765fs, I933fs, I973fs, I1034fs.
Identifiers: ClinVar variation 266340 (VCV000266340.7), dbSNP rs886040101, ClinGen allele CA10589780.
Genomic context (GRCh38, chr17:43,092,348, plus strand): 5'-ATTCAATTTTGGCCCTCTGTTTCTACCTAGTTCTGCTTGAATGTTTTCATCACTGGAACC[TA>T]TTTCATTAATACTGGAGCCCACTTCATTAGTACTGGAACCTACTTCATTAATATTGCTTG-3'

ClinVar aggregate classification (germline): Pathogenic. Review status: reviewed by expert panel (3 of 4 stars). 3 submissions from 3 submitters: Pathogenic (1). 2 of the submissions do not count toward it. Last evaluated 2016-10-18.

Conditions:
Breast-ovarian cancer, familial, susceptibility to, 1 (BROVCA1). Also called: BRCA1 Hereditary Breast and Ovarian Cancer; OVARIAN CANCER, SUSCEPTIBILITY TO. Identifiers: Orphanet 145, MedGen C2676676, MONDO:0011450, OMIM 604370. Disease mechanism: loss of function.

Submissions (3):

Evidence-based Network for the Interpretation of Germline Mutant Alleles (ENIGMA)
Classification: Pathogenic for Breast-ovarian cancer, familial, susceptibility to, 1. Last evaluated: 2016-10-18. Review status: reviewed by expert panel. Criteria: ENIGMA BRCA1/2 Classification Criteria (2015). Collection method: curation. Allele origin: germline.
Comment: Variant allele predicted to encode a truncated non-functional protein.

Consortium of Investigators of Modifiers of BRCA1/2 (CIMBA), c/o University of Cambridge
Classification: Pathogenic for Breast-ovarian cancer, familial, susceptibility to, 1. Last evaluated: 2015-10-02. Review status: criteria provided, single submitter. Criteria: CIMBA Mutation Classification guidelines May 2016. Collection method: clinical testing. Allele origin: germline. Not counted in ClinVar's aggregate classification.

BRCAlab, Lund University
Classification: Pathogenic for Breast-ovarian cancer, familial, susceptibility to, 1. Last evaluated: 2020-03-02. Review status: no assertion criteria provided. Collection method: clinical testing. Allele origin: germline. Affected: yes. Not counted in ClinVar's aggregate classification.